The following is an entry in ClinVar:

NM_000038.6(APC):c.7654A>T (p.Ser2552Cys)

Gene: APC (APC regulator of Wnt signaling pathway; plus strand). Cytogenetic location: 5q22.2.
Variant type: single nucleotide variant.
Coding change: c.7654A>T on transcript NM_000038.6 (MANE Select); coding-DNA position 7654, A replaced by T.
Protein change: p.Ser2552Cys; replaces serine 2552 with cysteine.
Molecular consequence: missense variant.
Genome position (GRCh38, 1-based): chr5:112,843,248, A>T. VCF-style: chr5-112843248-A-T. GRCh37 (hg19) VCF-style: chr5-112178945-A-T.
Other names: c.7570A>T, p.Ser2524Cys (NM_001354899.2); c.7531A>T, p.Ser2511Cys (NM_001354900.2); c.7477A>T, p.Ser2493Cys (NM_001354901.2); c.7381A>T, p.Ser2461Cys (NM_001354902.2); c.7351A>T, p.Ser2451Cys (NM_001354903.2); c.7276A>T, p.Ser2426Cys (NM_001354904.2); c.7174A>T, p.Ser2392Cys (NM_001354905.2); c.6805A>T, p.Ser2269Cys (NM_001354906.2); and 5 more; short protein forms S2552C, S2534C, S2269C, S2461C, S2426C, S2493C, S2511C, S2524C.
Identifiers: ClinVar variation 470101 (VCV000470101.18), dbSNP rs1554088567, ClinGen allele CA16037960.

ClinVar aggregate classification (germline): Uncertain significance. Review status: criteria provided, multiple submitters, no conflicts (2 of 4 stars). 3 submissions from 3 submitters: Uncertain significance (3). Last evaluated 2025-07-30.

Conditions:
Familial adenomatous polyposis 1 (FAP1). Also called: POLYPOSIS, ADENOMATOUS INTESTINAL; FAMILIAL ADENOMATOUS POLYPOSIS 1, ATTENUATED. Identifiers: MedGen C2713442, MONDO:0021056, OMIM 175100. Disease mechanism: loss of function.
Hereditary cancer-predisposing syndrome. Also called: Hereditary neoplastic syndrome; Neoplastic Syndromes, Hereditary; Tumor predisposition; Hereditary Cancer Syndrome. Identifiers: Orphanet 140162, MedGen C0027672, MeSH D009386, MONDO:0015356.

Allele frequency attached by ClinVar (database versions not stated): gnomAD 0.00001.
gnomAD v4.1: 1 of 1,613,818 alleles (0.000062%); highest among the groups gnomAD compares: African/African-American, 0.0013%; no homozygotes.

Submissions (3):

Labcorp Genetics (formerly Invitae), Labcorp
Classification: Uncertain significance for Familial adenomatous polyposis 1. Last evaluated: 2025-07-30. Review status: criteria provided, single submitter. Criteria: Invitae Variant Classification Sherloc (09022015). Collection method: clinical testing. Allele origin: germline.
Comment: This sequence change replaces serine, which is neutral and polar, with cysteine, which is neutral and slightly polar, at codon 2552 of the APC protein (p.Ser2552Cys). This variant is not present in population databases (gnomAD no frequency). This variant has not been reported in the literature in individuals affected with APC-related conditions. ClinVar contains an entry for this variant (Variation ID: 470101). Invitae Evidence Modeling of protein sequence and biophysical properties (such as structural, functional, and spatial information, amino acid conservation, physicochemical variation, residue mobility, and thermodynamic stability) indicates that this missense variant is not expected to disrupt APC protein function with a negative predictive value of 95%. In summary, the available evidence is currently insufficient to determine the role of this variant in disease. Therefore, it has been classified as a Variant of Uncertain Significance.

Ambry Genetics
Classification: Uncertain significance for Hereditary cancer-predisposing syndrome. Last evaluated: 2024-10-07. Review status: criteria provided, single submitter. Criteria: Ambry Variant Classification Scheme 2023. Collection method: clinical testing. Allele origin: germline.
Comment: The p.S2552C variant (also known as c.7654A>T), located in coding exon 15 of the APC gene, results from an A to T substitution at nucleotide position 7654. The serine at codon 2552 is replaced by cysteine, an amino acid with dissimilar properties. This amino acid position is well conserved in available vertebrate species. In addition, in silico predictors for this gene do not accurately predict pathogenicity. Missense alterations in APC are not a common cause of disease (Spier I et al. Genet Med. 2024 Feb;26(2):100992). Since supporting evidence is limited at this time, the clinical significance of this alteration remains unclear.

Women's Health and Genetics/Laboratory Corporation of America, LabCorp
Classification: Uncertain significance. Last evaluated: 2021-02-25. Review status: criteria provided, single submitter. Criteria: LabCorp Variant Classification Summary - May 2015. Collection method: clinical testing. Allele origin: germline.
Comment: Variant summary: APC c.7654A>T (p.Ser2552Cys) results in a non-conservative amino acid change located in the Adenomatous polyposis coli protein basic domain (IPR009234) of the encoded protein sequence. Four of five in-silico tools predict a damaging effect of the variant on protein function. The variant was absent in 250740 control chromosomes (gnomAD). The available data on variant occurrences in the general population are insufficient to allow any conclusion about variant significance. To our knowledge, no occurrence of c.7654A>T in individuals affected with Familial Adenomatous Polyposis and no experimental evidence demonstrating its impact on protein function have been reported. Two ClinVar submitters (evaluation after 2014) cite the variant as uncertain significance. Based on the evidence outlined above, the variant was classified as uncertain significance.